The following is an entry in ClinVar:

ClinVar aggregate classification (germline): Uncertain significance (1 of 4 stars; one submission).

Submission:

Ambry Genetics
Classification: Uncertain significance. Last evaluated: 2023-12-08. Review status: criteria provided, single submitter. Criteria: Ambry Variant Classification Scheme 2023. Collection method: clinical testing. Allele origin: germline.
Comment: The p.C465R variant (also known as c.1393T>C), located in coding exon 1 of the MLH3 gene, results from a T to C substitution at nucleotide position 1393. The cysteine at codon 465 is replaced by arginine, an amino acid with highly dissimilar properties. This amino acid position is conserved. In addition, this alteration is predicted to be tolerated by in silico analysis. Since supporting evidence is limited at this time, the clinical significance of this alteration remains unclear.

NM_001040108.2(MLH3):c.1393T>C (p.Cys465Arg)

Gene: MLH3 (mutL homolog 3; minus strand). Cytogenetic location: 14q24.3.
Variant type: single nucleotide variant.
Coding change: c.1393T>C on transcript NM_001040108.2 (MANE Select); coding-DNA position 1393, T replaced by C.
Protein change: p.Cys465Arg; replaces cysteine 465 with arginine.
Molecular consequence: missense variant.
Genome position (GRCh38, 1-based): chr14:75,048,263, A>G on the plus strand (T>C on the coding strand, the complement: MLH3 is on the minus strand). VCF-style: chr14-75048263-A-G. GRCh37 (hg19) VCF-style: chr14-75514966-A-G.
Other names: c.1393T>C, p.Cys465Arg (NM_014381.3); short protein forms C465R.
Identifiers: ClinVar variation 3232439 (VCV003232439.1), dbSNP rs2503296612, ClinGen allele CA390445991.